The following is an entry in ClinVar:

NM_004279.3(PMPCB):c.1154+5G>C

Gene: PMPCB (peptidase, mitochondrial processing subunit beta; plus strand). Cytogenetic location: 7q22.1.
Variant type: single nucleotide variant.
Coding change: c.1154+5G>C on transcript NM_004279.3 (MANE Select); 5 bases into the intron after coding-DNA position 1154, G replaced by C.
Molecular consequence: intron variant.
Genome position (GRCh38, 1-based): chr7:103,310,480, G>C. VCF-style: chr7-103310480-G-C. GRCh37 (hg19) VCF-style: chr7-102950927-G-C.
Other names: NC_000007.13:g.102950927G>C.
Identifiers: ClinVar variation 2580358 (VCV002580358.4), dbSNP rs770951883, ClinGen allele CA4418202.
Genomic context (GRCh38, chr7:103,310,480, plus strand): 5'-ATGGTTTGTGAATCATCCACTGTTGCAGACATGCTACATGTTGTTCAAAAAGAATGGTGA[G>C]AAAAATAGCTTTAAGTAATTTAAATTTTGCCTTTAATTCGTTTTAAACTAGTTTTTTATT-3'

ClinVar aggregate classification (germline): Likely pathogenic (1 of 4 stars; one submission).

Conditions:
PMPCB-related ataxia.

Allele frequency attached by ClinVar (database versions not stated): gnomAD exomes 0.00002; ExAC 0.00004; TOPMed 0.00004; gnomAD 0.00005.
gnomAD v4.1: 41 of 1,588,878 alleles (0.0026%); highest among the groups gnomAD compares: Non-Finnish European, 0.0033%; no homozygotes.

Submissions (2):

Tetreault Lab, University of Montreal Hospital Research Centre (CRCHUM)
Classification: Likely pathogenic for PMPCB-related ataxia. Review status: criteria provided, single submitter. Criteria: ACMG Guidelines, 2015. Collection method: research. Allele origin: germline. Affected: yes. Observed: 1 heterozygote. Functional consequence: sequence_variant_affecting_splicing.
Comment: This variant, reported with low allele frequency (gnomAD AF = 4.91e-5), causes alternative splicing of PMPCB, the beta subunit of the essential mitochondrial processing protease. Exon 9 splice donor loss was predicted in silico to cause exon 9 skipping, which was validated by PCR and long-read sequencing. Alternative splicing causes the loss of two α-helix and two β-sheets inside the protein and a likely loss-of-function. In silico predictions support loss-of-function of the allele (CADD = 23.1; SIFT = 0.93; Polyphen2 = 0.996). qPCR expression suggests decrease of mRNA levels and possible nonsense-mediated decay. The protease is essential for processing of proteins such as FXN and PINK1. Loss-of-function of the subunit is expected to cause an ataxia similar to what is observed with PMPCA loss-of-function. For these reason, the variant is interpreted as likely pathogenic in the context of atypical episodic ataxia.

Dr. Peter K. Rogan Lab, Western University
No classification provided (evidence only). Condition: Lung cancer. Review status: no classification provided. Collection method: in vitro. Allele origin: not applicable. Functional consequence: skipped exon. Not counted in ClinVar's aggregate classification.

Literature cited by the submitters: DOI 10.1093/brain/awv362 (cited by Tetreault Lab, University of Montreal Hospital Research Centre (CRCHUM)).